The following is an entry in ClinVar:

NM_003002.4(SDHD):c.352G>A (p.Asp118Asn)

Gene: SDHD (succinate dehydrogenase complex subunit D; plus strand). Cytogenetic location: 11q23.1.
Variant type: single nucleotide variant.
Coding change: c.352G>A on transcript NM_003002.4 (MANE Select); coding-DNA position 352, G replaced by A.
Protein change: p.Asp118Asn; replaces aspartic acid 118 with asparagine.
Molecular consequence: missense variant. On other transcripts: 3 prime UTR variant (1), non-coding transcript variant (1), synonymous variant (1).
Genome position (GRCh38, 1-based): chr11:112,094,842, G>A. VCF-style: chr11-112094842-G-A. GRCh37 (hg19) VCF-style: chr11-111965566-G-A.
Other names: c.235G>A, p.Asp79Asn (NM_001276504.2); c.*50G>A (NM_001276506.2); c.207G>A, p.Gly69= (NM_001276503.2); short protein forms D118N, D79N.
Identifiers: ClinVar variation 1002957 (VCV001002957.10), dbSNP rs1865810526, ClinGen allele CA382618916.

ClinVar aggregate classification (germline): Uncertain significance (1 of 4 stars; one submission).

Conditions:
Pheochromocytoma. Also called: MAX-Related Hereditary Paraganglioma-Pheochromocytoma Syndrome. Identifiers: Orphanet 29072, MedGen C0031511, MONDO:0008233, OMIM 171300, HP:0002666.
Paragangliomas with sensorineural hearing loss. Identifiers: MedGen C1868633.
Cowden syndrome 3 (CWS3). Identifiers: Orphanet 201, MedGen CN166604, MONDO:0014045.
Carney-Stratakis syndrome. Also called: PARAGANGLIOMA AND GASTROINTESTINAL STROMAL TUMOR. Identifiers: Orphanet 97286, MedGen C1847319, MONDO:0011740, OMIM 606864.

gnomAD v4.1: 1 of 1,612,024 alleles (0.000062%); no homozygotes.

Submission:

Labcorp Genetics (formerly Invitae), Labcorp
Classification: Uncertain significance for Carney-Stratakis syndrome; Paragangliomas with sensorineural hearing loss; Pheochromocytoma; Cowden syndrome 3. Last evaluated: 2021-08-11. Review status: criteria provided, single submitter. Criteria: Invitae Variant Classification Sherloc (09022015). Collection method: clinical testing. Allele origin: germline.
Comment: Advanced modeling of protein sequence and biophysical properties (such as structural, functional, and spatial information, amino acid conservation, physicochemical variation, residue mobility, and thermodynamic stability) performed at Invitae indicates that this missense variant is not expected to disrupt SDHD protein function. This sequence change replaces aspartic acid with asparagine at codon 118 of the SDHD protein (p.Asp118Asn). The aspartic acid residue is moderately conserved and there is a small physicochemical difference between aspartic acid and asparagine. This variant is not present in population databases (ExAC no frequency). This variant has not been reported in the literature in individuals with SDHD-related conditions. In summary, the available evidence is currently insufficient to determine the role of this variant in disease. Therefore, it has been classified as a Variant of Uncertain Significance.